The following is an entry in ClinVar:

NM_024577.4(SH3TC2):c.908C>A (p.Pro303His)

Gene: SH3TC2 (SH3 domain and tetratricopeptide repeats 2; minus strand). Cytogenetic location: 5q32.
Variant type: single nucleotide variant.
Coding change: c.908C>A on transcript NM_024577.4 (MANE Select); coding-DNA position 908, C replaced by A.
Protein change: p.Pro303His; replaces proline 303 with histidine.
Molecular consequence: missense variant.
Genome position (GRCh38, 1-based): chr5:149,038,388, G>T on the plus strand (C>A on the coding strand, the complement: SH3TC2 is on the minus strand). VCF-style: chr5-149038388-G-T. GRCh37 (hg19) VCF-style: chr5-148417951-G-T.
Other names: short protein forms P303H.
Identifiers: ClinVar variation 543362 (VCV000543362.12), dbSNP rs778572329, ClinGen allele CA3499350.

ClinVar aggregate classification (germline): Uncertain significance. Review status: criteria provided, multiple submitters, no conflicts (2 of 4 stars). 3 submissions from 3 submitters: Uncertain significance (3). Last evaluated 2026-05-14.

Conditions:
Charcot-Marie-Tooth disease type 4. Also called: Charcot-Marie-Tooth disease, type IV; Charcot-Marie-Tooth, Type 4. Identifiers: Orphanet 64749, MedGen C4082197, MONDO:0018995.
SH3TC2-related disorder. Also called: SH3TC2-related disorders; SH3TC2-related condition. Identifiers: MedGen CN239303.

Allele frequency attached by ClinVar (database versions not stated): ExAC 0.00001; gnomAD 0.00004; TOPMed 0.00004.
gnomAD v4.1: 19 of 1,614,048 alleles (0.0012%); highest among the groups gnomAD compares: African/African-American, 0.004%; 1 homozygote.

Submissions (3):

PreventionGenetics, part of Exact Sciences
Classification: Uncertain significance for SH3TC2-related condition. Last evaluated: 2026-05-14. Review status: criteria provided, single submitter. Criteria: ACMG Guidelines, 2015. Collection method: clinical testing. Allele origin: germline.
Comment: The SH3TC2 c.908C>A variant is predicted to result in the amino acid substitution p.Pro303His. To our knowledge, this variant has not been reported in the literature. This variant is reported in 0.0023% of alleles in individuals of European (non-Finnish) descent in gnomAD. At this time, the clinical significance of this variant is uncertain due to the absence of conclusive functional and genetic evidence.

Labcorp Genetics (formerly Invitae), Labcorp
Classification: Uncertain significance for Charcot-Marie-Tooth disease type 4. Last evaluated: 2022-07-15. Review status: criteria provided, single submitter. Criteria: Invitae Variant Classification Sherloc (09022015). Collection method: clinical testing. Allele origin: germline.
Comment: This sequence change replaces proline, which is neutral and non-polar, with histidine, which is basic and polar, at codon 303 of the SH3TC2 protein (p.Pro303His). This variant is present in population databases (rs778572329, gnomAD 0.002%). This variant has not been reported in the literature in individuals affected with SH3TC2-related conditions. ClinVar contains an entry for this variant (Variation ID: 543362). Algorithms developed to predict the effect of missense changes on protein structure and function are either unavailable or do not agree on the potential impact of this missense change (SIFT: "Tolerated"; PolyPhen-2: "Probably Damaging"; Align-GVGD: "Class C0"). In summary, the available evidence is currently insufficient to determine the role of this variant in disease. Therefore, it has been classified as a Variant of Uncertain Significance.

GeneDx
Classification: Uncertain significance. Last evaluated: 2019-10-07. Review status: criteria provided, single submitter. Criteria: GeneDx Variant Classification Process June 2021. Collection method: clinical testing. Allele origin: germline. Affected: yes.
Comment: Not observed at a significant frequency in large population cohorts (Lek et al., 2016); In silico analysis, which includes protein predictors and evolutionary conservation, supports a deleterious effect; Has not been previously published as pathogenic or benign to our knowledge